The following is an entry in ClinVar:

ClinVar aggregate classification (germline): Pathogenic (3 of 4 stars; one submission).

Conditions:
Juvenile retinoschisis (RS1). Also called: X-linked retinoschisis; X-Linked Juvenile Retinoschisis. Identifiers: Orphanet 792, MedGen C3714753, MONDO:0010725, OMIM 312700.

Submission:

ClinGen X-linked Inherited Retinal Disease Variant Curation Expert Panel, ClinGen
Classification: Pathogenic for Juvenile retinoschisis. Last evaluated: 2026-09-26. Review status: reviewed by expert panel. Criteria: ClinGen X LinkedIRD ACMG Specifications RS1 V1.0.0. Collection method: curation. Allele origin: germline. Inheritance: X-linked inheritance.
Comment: The NM_000330.4(RS1):c.52+1G>C variant is a canonical splice site variant in intron 1, located 1 nucleotide after exon 1. This variant occurs at a canonical splice site in intron 1 and is predicted to disrupt splicing and induce skipping of exon 2, which is expected to introduce a premature stop codon in RS1 (PVS1). This variant is absent from hemizygous individuals in gnomAD v4.1.0 (PM2_Supporting). At least one proband harboring this variant exhibits the following phenotypes, including the appearance of schisis and reduced visual acuity before age 13 years, which together are specific for X-linked retinoschisis (PMID: 32300273, PP4). This variant has been reported in at least 1 proband meeting one of the PS4 requirements of a male diagnosed with XLRS, as well as a second apparently unrelated proband previously used for the PP4 code (PMID: 36362148, PS4_Supporting). In summary, this variant is classified as pathogenic for X-linked retinoschisis based on the ClinGen X-linked Inherited Retinal Disease Expert Panel Specifications to the ACMG/AMP Variant Interpretation Guidelines for RS1 Version 1.0.0: PVS1, PM2_Supporting, PP4, and PS4_Supporting.

NM_000330.4(RS1):c.52+1G>C

Gene: RS1 (retinoschisin 1; minus strand). Cytogenetic location: Xp22.13.
Variant type: single nucleotide variant.
Coding change: c.52+1G>C on transcript NM_000330.4 (MANE Select); the canonical splice donor site of the intron after coding-DNA position 52, G replaced by C.
Molecular consequence: splice donor variant.
Genome position (GRCh38, 1-based): chrX:18,672,016, C>G on the plus strand (G>C on the coding strand, the complement: RS1 is on the minus strand). VCF-style: chrX-18672016-C-G. GRCh37 (hg19) VCF-style: chrX-18690136-C-G.
Other names: NM_000330.4:c.52+1G>C.
Identifiers: ClinVar variation 4976901 (VCV004976901.1).
Genomic context (GRCh38, chrX:18,672,016, plus strand): 5'-CGATATTAATTAAATTATGTATTAAGTATGCAATGAATGTCAATGGTTGAATAGCACATA[C>G]CTTCATAGCCAAAGAGAAGTAATAACAAAAAGCCTTCTATCTTGCGTGACATCTTCCCCT-3'